The following is an entry in ClinVar:

ClinVar aggregate classification (germline): Pathogenic (1 of 4 stars; one submission).

Conditions:
MPI-congenital disorder of glycosylation. Also called: CDG Ib; MANNOSEPHOSPHATE ISOMERASE DEFICIENCY; CONGENITAL DISORDER OF GLYCOSYLATION, TYPE Ib; MPI-CDG; PROTEIN-LOSING ENTEROPATHY-HEPATIC FIBROSIS SYNDROME; MPI DEFICIENCY. Identifiers: Orphanet 79319, MedGen C1865145, MONDO:0011257, OMIM 602579.

Allele frequency attached by ClinVar (database versions not stated): gnomAD exomes below 0.00001.

Submission:

Labcorp Genetics (formerly Invitae), Labcorp
Classification: Pathogenic for MPI-congenital disorder of glycosylation. Last evaluated: 2021-07-28. Review status: criteria provided, single submitter. Criteria: Invitae Variant Classification Sherloc (09022015). Collection method: clinical testing. Allele origin: germline.
Comment: This sequence change creates a premature translational stop signal (p.Val274Glyfs*31) in the MPI gene. It is expected to result in an absent or disrupted protein product. Loss-of-function variants in MPI are known to be pathogenic (PMID: 19862844). For these reasons, this variant has been classified as Pathogenic. Algorithms developed to predict the effect of sequence changes on RNA splicing suggest that this variant may create or strengthen a splice site. This variant has not been reported in the literature in individuals affected with MPI-related conditions. This variant is not present in population databases (ExAC no frequency).

Literature cited by the submitters: PubMed 19862844.

NM_002435.3(MPI):c.820dup (p.Val274fs)

Gene: MPI (mannose phosphate isomerase; plus strand). Cytogenetic location: 15q24.1.
Variant type: Duplication.
Coding change: c.820dup on transcript NM_002435.3 (MANE Select); coding-DNA position 820, one base duplicated (G; older notation c.820dupG).
Protein change: p.Val274fs; shifts the reading frame from valine 274.
Molecular consequence: frameshift variant.
Genome position (GRCh38, 1-based): chr15:74,896,301, G duplicated. VCF-style (leftmost placement, unchanged base first): chr15-74896300-C-CG. GRCh37 (hg19) VCF-style: chr15-75188641-C-CG.
Other names: c.820dup, p.Val274fs (NM_001289155.2); c.670dup, p.Val224fs (NM_001289156.2); c.637dup, p.Val213fs (NM_001289157.2); c.760dup, p.Val254fs (NM_001330372.2); short protein forms V254fs, V213fs, V224fs, V274fs.
Identifiers: ClinVar variation 1366385 (VCV001366385.6), dbSNP rs1567268668, ClinGen allele CA619413158.